The following is an entry in ClinVar:

NM_000218.3(KCNQ1):c.605-14C>T

Gene: KCNQ1 (potassium voltage-gated channel subfamily Q member 1; plus strand). Cytogenetic location: 11p15.5.
Variant type: single nucleotide variant.
Coding change: c.605-14C>T on transcript NM_000218.3 (MANE Select); 14 bases into the intron before coding-DNA position 605, C replaced by T.
Molecular consequence: intron variant.
Genome position (GRCh38, 1-based): chr11:2,571,311, C>T. VCF-style: chr11-2571311-C-T. GRCh37 (hg19) VCF-style: chr11-2592541-C-T.
Other names: c.335-14C>T (NM_001406837.1); c.605-14C>T (NM_001406836.1); c.478-12124C>T (NM_001406838.1); c.224-14C>T (NM_181798.2).
Identifiers: ClinVar variation 1332048 (VCV001332048.5), dbSNP rs1284195790, ClinGen allele CA2573053483.
Genomic context (GRCh38, chr11:2,571,311, plus strand): 5'-GCAGGGTGTATGCTCTTCCCTGGGGCCCTGGCTGTGGCGATCACGAAAAGCTCCCCCTCT[C>T]CTGCACTCCACAGACCTCATCGTGGTCGTGGCCTCCATGGTGGTCCTCTGCGTGGGCTCC-3'

ClinVar aggregate classification (germline): Uncertain significance (1 of 4 stars; one submission).

Conditions:
Cardiac arrhythmia. Also called: Arrhythmia; Cardiac rhythm disease. Identifiers: MedGen C0003811, MONDO:0007263, HP:0011675.

gnomAD v4.1: 1 of 1,611,068 alleles (0.000062%); highest among the groups gnomAD compares: Non-Finnish European, 0.000085%; no homozygotes.

Submission:

Color Diagnostics, LLC DBA Color Health
Classification: Uncertain significance for Cardiac arrhythmia. Last evaluated: 2021-06-14. Review status: criteria provided, single submitter. Criteria: ACMG Guidelines, 2015. Collection method: clinical testing. Allele origin: germline.
Comment: This variant causes a C to T nucleotide substitution at the -14 position of intron 3 of the KCNQ1 gene. To our knowledge, functional studies have not been reported for this variant. This variant has not been reported in individuals affected with cardiovascular disorders in the literature. This variant has not been identified in the general population by the Genome Aggregation Database (gnomAD). The available evidence is insufficient to determine the role of this variant in disease conclusively. Therefore, this variant is classified as a Variant of Uncertain Significance.